The following is an entry in ClinVar:

NM_000540.3(RYR1):c.4191G>T (p.Met1397Ile)

Gene: RYR1 (ryanodine receptor 1; plus strand). Cytogenetic location: 19q13.2.
Variant type: single nucleotide variant.
Coding change: c.4191G>T on transcript NM_000540.3 (MANE Select); coding-DNA position 4191, G replaced by T.
Protein change: p.Met1397Ile; replaces methionine 1397 with isoleucine.
Molecular consequence: missense variant.
Genome position (GRCh38, 1-based): chr19:38,475,348, G>T. VCF-style: chr19-38475348-G-T. GRCh37 (hg19) VCF-style: chr19-38965988-G-T.
Other names: p.Met1397Ile; c.4191G>T, p.Met1397Ile (NM_001042723.2); short protein forms M1397I.
Identifiers: ClinVar variation 2628559 (VCV002628559.4), dbSNP rs760544989, ClinGen allele CA065648.
Genomic context (GRCh38, chr19:38,475,348, plus strand): 5'-CTCTCATGGCGCCTCTCCTCCCACTACCAGCTTCTTATTCAAGGCCAAGAAGGTCGCCAT[G>T]ATGACCCAGCCACCGGCCACCCCCACGCTGCCCCGACTCCCTCACGACGTGGTGCCTGCA-3'
Protein context (NP_000531.2, residues 1387-1407): GFLFKAKKVA[Met1397Ile]MTQPPATPTL

ClinVar aggregate classification (germline): Uncertain significance. Review status: criteria provided, multiple submitters, no conflicts (2 of 4 stars). 4 submissions from 4 submitters: Uncertain significance (4). Last evaluated 2025-10-02.

Conditions:
Inborn genetic diseases. Identifiers: MedGen C0950123, MeSH D030342.
Malignant hyperthermia, susceptibility to, 1 (MHS1). Also called: Anesthesia related hyperthermia; Malignant hyperpyrexia; Fulminating hyperpyrexia; Pharmacogenic myopathy; RYR1-Related Malignant Hyperthermia Susceptibility; Malignant hyperthermia suceptibility 1. Identifiers: Orphanet 423, MedGen C2930980, MONDO:0007783, OMIM 145600.
RYR1-related disorder. Also called: RYR1-related condition; RYR1-related disorders. Identifiers: MedGen CN239331.

Allele frequency attached by ClinVar (database versions not stated): gnomAD 0.00001; ExAC 0.00002.

Submissions (4):

Ambry Genetics
Classification: Uncertain significance for Inborn genetic diseases. Last evaluated: 2025-10-02. Review status: criteria provided, single submitter. Criteria: Ambry Variant Classification Scheme 2023. Collection method: clinical testing. Allele origin: germline.

All of Us Research Program, National Institutes of Health
Classification: Uncertain significance for Malignant hyperthermia, susceptibility to, 1. Last evaluated: 2023-11-30. Review status: criteria provided, single submitter. Criteria: ACMG Guidelines, 2015. Collection method: clinical testing. Allele origin: germline. Inheritance: Autosomal dominant inheritance. Observed: 2 variant alleles, 2 heterozygotes.
Comment: This missense variant replaces methionine with isoleucine at codon 1397 of the RYR1 protein. Computational prediction suggests that this variant may not impact protein structure and function (internally defined REVEL score threshold <= 0.5, PMID: 27666373). To our knowledge, functional studies have not been reported for this variant. This variant has not been reported in individuals affected with RYR1-related disorders in the literature. This variant has been identified in 1/238844 chromosomes in the general population by the Genome Aggregation Database (gnomAD). The available evidence is insufficient to determine the role of this variant in disease conclusively. Therefore, this variant is classified as a Variant of Uncertain Significance.

This study involves interpretation of variants in research participants for the purpose of population health screening. Participant phenotype was not available at the time of variant classification. Additional details can be found in publication PMID: 35346344, PMCID: PMC8962531

PreventionGenetics, part of Exact Sciences
Classification: Uncertain significance for RYR1-related condition. Last evaluated: 2023-07-11. Review status: criteria provided, single submitter. Criteria: ACMG Guidelines, 2015. Collection method: clinical testing. Allele origin: germline.
Comment: The RYR1 c.4191G>T variant is predicted to result in the amino acid substitution p.Met1397Ile. To our knowledge, this variant has not been reported in the literature. This variant is reported in 0.0066% of alleles in individuals of African descent in gnomAD. At this time, the clinical significance of this variant is uncertain due to the absence of conclusive functional and genetic evidence.

Mayo Clinic Laboratories, Mayo Clinic
Classification: Uncertain significance. Last evaluated: 2022-06-24. Review status: criteria provided, single submitter. Criteria: ACMG Guidelines, 2015. Collection method: clinical testing. Allele origin: germline. Observed: 1 variant allele.